The following is an entry in ClinVar:

ClinVar aggregate classification (germline): Likely benign. Review status: criteria provided, multiple submitters, no conflicts (2 of 4 stars). 2 submissions from 2 submitters: Likely benign (2). Last evaluated 2025-06-04.

Conditions:
Tuberous sclerosis 2 (TSC2). Identifiers: Orphanet 805, MedGen C1860707, MONDO:0013199, OMIM 613254.

Allele frequency attached by ClinVar (database versions not stated): gnomAD exomes 0.00001.
gnomAD v4.1: 9 of 1,612,670 alleles (0.00056%); highest among the groups gnomAD compares: East Asian, 0.0022%; no homozygotes.

Submissions (2):

Myriad Genetics, Inc.
Classification: Likely benign for Tuberous sclerosis 2. Last evaluated: 2025-06-04. Review status: criteria provided, single submitter. Criteria: Myriad Autosomal Dominant, Autosomal Recessive and X-Linked Classification Criteria (2023). Collection method: clinical testing. Allele origin: unknown.
Comment: This variant is considered likely benign. This variant is intronic and is not expected to impact mRNA splicing.

Labcorp Genetics (formerly Invitae), Labcorp
Classification: Likely benign for Tuberous sclerosis 2. Last evaluated: 2025-05-18. Review status: criteria provided, single submitter. Criteria: Invitae Variant Classification Sherloc (09022015). Collection method: clinical testing. Allele origin: germline.

NM_000548.5(TSC2):c.4570-15C>T

Gene: TSC2 (TSC complex subunit 2; plus strand). Cytogenetic location: 16p13.3.
Variant type: single nucleotide variant.
Coding change: c.4570-15C>T on transcript NM_000548.5 (MANE Select); 15 bases into the intron before coding-DNA position 4570, C replaced by T.
Molecular consequence: intron variant.
Genome position (GRCh38, 1-based): chr16:2,085,215, C>T. VCF-style: chr16-2085215-C-T. GRCh37 (hg19) VCF-style: chr16-2135216-C-T.
Other names: c.4501-15C>T (NM_001114382.3); c.4441-15C>T (NM_021055.3, NM_001370405.1); c.4372-15C>T (NM_001363528.2); c.4438-15C>T (NM_001370404.1); c.4369-15C>T (NM_001077183.3); c.4261-15C>T (NM_001318827.2); c.3838-15C>T (NM_001318831.2); c.4225-15C>T (NM_001318829.2); and 1 more.
Identifiers: ClinVar variation 1672755 (VCV001672755.9), dbSNP rs766813076, ClinGen allele CA051708.